The following is an entry in ClinVar:

NM_001069.3(TUBB2A):c.979G>T (p.Asp327Tyr)

Gene: TUBB2A (tubulin beta 2A class IIa; minus strand). Cytogenetic location: 6p25.2.
Variant type: single nucleotide variant.
Coding change: c.979G>T on transcript NM_001069.3 (MANE Select); coding-DNA position 979, G replaced by T.
Protein change: p.Asp327Tyr; replaces aspartic acid 327 with tyrosine.
Molecular consequence: missense variant.
Genome position (GRCh38, 1-based): chr6:3,154,222, C>A on the plus strand (G>T on the coding strand, the complement: TUBB2A is on the minus strand). VCF-style: chr6-3154222-C-A. GRCh37 (hg19) VCF-style: chr6-3154456-C-A.
Other names: c.724G>T, p.Asp242Tyr (NM_001310315.2); short protein forms D327Y, D242Y.
Identifiers: ClinVar variation 2082607 (VCV002082607.4), dbSNP rs2533524054, ClinGen allele CA362591524.
Genomic context (GRCh38, chr6:3,154,222, plus strand): 5'-TGGGGATCCACTCCACGAAGTAGCTGCTGTTCTTGTTCTGCACGTTGAGCATCTGCTCGT[C>A]CACCTCCTTCATGGACATGCGGCCCCGGAAGATGGCAGCCACCGTCAGGTAGCGGCCGTG-3'
Protein context (NP_001060.1, residues 317-337): FRGRMSMKEV[Asp327Tyr]EQMLNVQNKN

ClinVar aggregate classification (germline): Uncertain significance (1 of 4 stars; one submission).

Submission:

Labcorp Genetics (formerly Invitae), Labcorp
Classification: Uncertain significance. Last evaluated: 2022-01-14. Review status: criteria provided, single submitter. Criteria: Invitae Variant Classification Sherloc (09022015). Collection method: clinical testing. Allele origin: germline.
Comment: In summary, the available evidence is currently insufficient to determine the role of this variant in disease. Therefore, it has been classified as a Variant of Uncertain Significance. Advanced modeling of protein sequence and biophysical properties (such as structural, functional, and spatial information, amino acid conservation, physicochemical variation, residue mobility, and thermodynamic stability) performed at Invitae indicates that this missense variant is expected to disrupt TUBB2A protein function. This variant has not been reported in the literature in individuals affected with TUBB2A-related conditions. This variant is not present in population databases (gnomAD no frequency). This sequence change replaces aspartic acid, which is acidic and polar, with tyrosine, which is neutral and polar, at codon 327 of the TUBB2A protein (p.Asp327Tyr).